The following is an entry in ClinVar:

ClinVar aggregate classification (germline): Uncertain significance (1 of 4 stars; one submission).

Conditions:
Primary dilated cardiomyopathy (DCM). Also called: Dilated Cardiomyopathy. Identifiers: Orphanet 217604, MedGen C0007193, MeSH D002311, MONDO:0005021, HP:0001644. Inheritance: Various modes of inheritance.

Submission:

Labcorp Genetics (formerly Invitae), Labcorp
Classification: Uncertain significance for Primary dilated cardiomyopathy. Last evaluated: 2021-10-04. Review status: criteria provided, single submitter. Criteria: Invitae Variant Classification Sherloc (09022015). Collection method: clinical testing. Allele origin: germline.
Comment: This variant is not present in population databases (ExAC no frequency). This sequence change replaces aspartic acid with glycine at codon 969 of the NEBL protein (p.Asp969Gly). The aspartic acid residue is highly conserved and there is a moderate physicochemical difference between aspartic acid and glycine. This variant has not been reported in the literature in individuals affected with NEBL-related conditions. In summary, the available evidence is currently insufficient to determine the role of this variant in disease. Therefore, it has been classified as a Variant of Uncertain Significance. Algorithms developed to predict the effect of sequence changes on RNA splicing suggest that this variant may create or strengthen a splice site. Algorithms developed to predict the effect of missense changes on protein structure and function (SIFT, PolyPhen-2, Align-GVGD) all suggest that this variant is likely to be disruptive.

NM_006393.3(NEBL):c.2906A>G (p.Asp969Gly)

Gene: NEBL (nebulette; minus strand). Cytogenetic location: 10p12.31.
Variant type: single nucleotide variant.
Coding change: c.2906A>G on transcript NM_006393.3 (MANE Select); coding-DNA position 2906, A replaced by G.
Protein change: p.Asp969Gly; replaces aspartic acid 969 with glycine.
Molecular consequence: missense variant. On other transcripts: synonymous variant (1).
Genome position (GRCh38, 1-based): chr10:20,785,886, T>C on the plus strand (A>G on the coding strand, the complement: NEBL is on the minus strand). VCF-style: chr10-20785886-T-C. GRCh37 (hg19) VCF-style: chr10-21074815-T-C.
Other names: c.672A>G, p.Gly224= (NM_001173484.2); c.767A>G, p.Asp256Gly (NM_001377322.1); c.626A>G, p.Asp209Gly (NM_001377323.1); c.617A>G, p.Asp206Gly (NM_001377324.1); c.608A>G, p.Asp203Gly (NM_001377325.1); c.566A>G, p.Asp189Gly (NM_001377326.1, NM_001377327.1, NM_001377328.1); c.674A>G, p.Asp225Gly (NM_213569.2); short protein forms D209G, D225G, D189G, D203G, D969G, D206G, D256G.
Identifiers: ClinVar variation 1508820 (VCV001508820.6), dbSNP rs2131613917, ClinGen allele CA376092296.